The following is an entry in ClinVar:

ClinVar aggregate classification (germline): Uncertain significance (1 of 4 stars; one submission).

Allele frequency attached by ClinVar (database versions not stated): ESP Exome Variant Server 0.00008.

Submission:

Labcorp Genetics (formerly Invitae), Labcorp
Classification: Uncertain significance. Last evaluated: 2022-03-11. Review status: criteria provided, single submitter. Criteria: Invitae Variant Classification Sherloc (09022015). Collection method: clinical testing. Allele origin: germline.
Comment: In summary, the available evidence is currently insufficient to determine the role of this variant in disease. Therefore, it has been classified as a Variant of Uncertain Significance. Algorithms developed to predict the effect of missense changes on protein structure and function are either unavailable or do not agree on the potential impact of this missense change (SIFT: "Deleterious"; PolyPhen-2: "Benign"; Align-GVGD: "Class C0"). This variant is present in population databases (rs140895068, gnomAD 0.007%). This variant has not been reported in the literature in individuals affected with GDF5-related conditions. This sequence change replaces arginine, which is basic and polar, with tryptophan, which is neutral and slightly polar, at codon 334 of the GDF5 protein (p.Arg334Trp).

NM_000557.5(GDF5):c.1000C>T (p.Arg334Trp)

Genes: GDF5 (growth differentiation factor 5; minus strand), GDF5-AS1 (GDF5 antisense RNA 1; plus strand). Cytogenetic location: 20q11.22.
Variant type: single nucleotide variant.
Coding change: c.1000C>T on transcript NM_000557.5 (MANE Select); coding-DNA position 1000, C replaced by T.
Protein change: p.Arg334Trp; replaces arginine 334 with tryptophan.
Molecular consequence: missense variant. On other transcripts: non-coding transcript variant (1).
Genome position (GRCh38, 1-based): chr20:35,434,415, G>A on the plus strand (C>T on the coding strand, the complement: GDF5 is on the minus strand). VCF-style: chr20-35434415-G-A. GRCh37 (hg19) VCF-style: chr20-34022213-G-A.
Other names: c.1000C>T, p.Arg334Trp (NM_001319138.2); short protein forms R334W.
Identifiers: ClinVar variation 2109458 (VCV002109458.2), dbSNP rs140895068, ClinGen allele CA314131461.